The following is an entry in ClinVar:

NM_003803.4(MYOM1):c.4151A>G (p.Lys1384Arg)

Gene: MYOM1 (myomesin 1; minus strand). Cytogenetic location: 18p11.31.
Variant type: single nucleotide variant.
Coding change: c.4151A>G on transcript NM_003803.4 (MANE Select); coding-DNA position 4151, A replaced by G.
Protein change: p.Lys1384Arg; replaces lysine 1384 with arginine.
Molecular consequence: missense variant.
Genome position (GRCh38, 1-based): chr18:3,086,138, T>C on the plus strand (A>G on the coding strand, the complement: MYOM1 is on the minus strand). VCF-style: chr18-3086138-T-C. GRCh37 (hg19) VCF-style: chr18-3086136-T-C.
Other names: c.3863A>G, p.Lys1288Arg (NM_019856.2); short protein forms K1384R, K1288R.
Identifiers: ClinVar variation 4736992 (VCV004736992.1).

ClinVar aggregate classification (germline): Uncertain significance (1 of 4 stars; one submission).

Conditions:
Hypertrophic cardiomyopathy. Also called: HYPERTROPHIC MYOCARDIOPATHY. Identifiers: Orphanet 217569, MedGen C0007194, MeSH D002312, MONDO:0005045, HP:0001639.

gnomAD v4.1: 5 of 1,594,892 alleles (0.00031%); highest among the groups gnomAD compares: East Asian, 0.0045%; no homozygotes.

Submission:

Labcorp Genetics (formerly Invitae), Labcorp
Classification: Uncertain significance for Hypertrophic cardiomyopathy. Last evaluated: 2025-06-03. Review status: criteria provided, single submitter. Criteria: Invitae Variant Classification Sherloc (09022015). Collection method: clinical testing. Allele origin: germline.
Comment: This sequence change replaces lysine, which is basic and polar, with arginine, which is basic and polar, at codon 1384 of the MYOM1 protein (p.Lys1384Arg). This variant is present in population databases (rs774407666, gnomAD 0.002%). This variant has not been reported in the literature in individuals affected with MYOM1-related conditions. Invitae Evidence Modeling of protein sequence and biophysical properties (such as structural, functional, and spatial information, amino acid conservation, physicochemical variation, residue mobility, and thermodynamic stability) indicates that this missense variant is not expected to disrupt MYOM1 protein function with a negative predictive value of 80%. In summary, the available evidence is currently insufficient to determine the role of this variant in disease. Therefore, it has been classified as a Variant of Uncertain Significance.